The following is an entry in ClinVar:

ClinVar aggregate classification (germline): Conflicting classifications of pathogenicity. Review status: criteria provided, conflicting classifications (1 of 4 stars). 2 submissions from 2 submitters: Uncertain significance (1); Likely benign (1). Last evaluated 2022-08-23.

Conditions:
Very long chain acyl-CoA dehydrogenase deficiency (ACADVLD). Also called: VLCAD Deficiency; Very Long-Chain Acyl-Coenzyme A Dehydrogenase Deficiency. Identifiers: Orphanet 26793, MedGen C3887523, MONDO:0008723, OMIM 201475.

Submissions (2):

Labcorp Genetics (formerly Invitae), Labcorp
Classification: Uncertain significance for Very long chain acyl-CoA dehydrogenase deficiency. Last evaluated: 2022-08-23. Review status: criteria provided, single submitter. Criteria: Invitae Variant Classification Sherloc (09022015). Collection method: clinical testing. Allele origin: germline.
Comment: This sequence change falls in intron 16 of the ACADVL gene. It does not directly change the encoded amino acid sequence of the ACADVL protein. It affects a nucleotide within the consensus splice site. Information on the frequency of this variant in the gnomAD database is not available, as this variant may be reported differently in the database. This variant has not been reported in the literature in individuals affected with ACADVL-related conditions. ClinVar contains an entry for this variant (Variation ID: 422276). Variants that disrupt the consensus splice site are a relatively common cause of aberrant splicing (PMID: 17576681, 9536098). Algorithms developed to predict the effect of sequence changes on RNA splicing suggest that this variant may disrupt the consensus splice site. In summary, the available evidence is currently insufficient to determine the role of this variant in disease. Therefore, it has been classified as a Variant of Uncertain Significance.

GeneDx
Classification: Likely benign. Last evaluated: 2016-10-06. Review status: criteria provided, single submitter. Criteria: GeneDx Variant Classification (06012015). Collection method: clinical testing. Allele origin: germline. Affected: yes.
Comment: This variant is considered likely benign or benign based on one or more of the following criteria: it is a conservative change, it occurs at a poorly conserved position in the protein, it is predicted to be benign by multiple in silico algorithms, and/or has population frequency not consistent with disease.

Literature cited by the submitters: PubMed 17576681 (cited by Labcorp Genetics (formerly Invitae), Labcorp); PubMed 9536098 (cited by Labcorp Genetics (formerly Invitae), Labcorp).

NM_000018.4(ACADVL):c.1605+6_1605+7inv

Gene: ACADVL (acyl-CoA dehydrogenase very long chain; plus strand). Cytogenetic location: 17p13.1.
Variant type: Inversion.
Coding change: c.1605+6_1605+7inv on transcript NM_000018.4 (MANE Select).
Molecular consequence: intron variant.
Genome position: GRCh38 VCF-style: chr17-7224399-TG-CA. GRCh37 (hg19) VCF-style: chr17-7127718-TG-CA.
Other names: c.1674+6_1674+7inv (NM_001270447.2); c.1377+6_1377+7inv (NM_001270448.2); c.1539+6_1539+7inv (NM_001033859.3).
Identifiers: ClinVar variation 422276 (VCV000422276.4), ClinGen allele CA16620601.